The following is an entry in ClinVar:

NM_001122630.2(CDKN1C):c.543_566dup (p.Val184_Pro191dup)

Gene: CDKN1C (cyclin dependent kinase inhibitor 1C; minus strand). Cytogenetic location: 11p15.4.
Variant type: Duplication.
Coding change: c.543_566dup on transcript NM_001122630.2 (MANE Select); coding-DNA positions 543 to 566, 24 bases duplicated (GGCTCCAGTCGCGGCCCCGGCCCC).
Protein change: p.Val184_Pro191dup.
Molecular consequence: inframe insertion. On other transcripts: intron variant (1).
Genome position (GRCh38, 1-based): chr11:2,884,891-2,884,914, GGGGCCGGGGCCGCGACTGGAGCC duplicated on the plus strand (GGCTCCAGTCGCGGCCCCGGCCCC on the coding strand, the reverse complement: CDKN1C is on the minus strand); duplicating any 24 consecutive bases within chr11:2,884,891-2,884,922 gives the same sequence; the c. name uses the placement nearest the transcript's 3' end. VCF-style (leftmost placement, unchanged base first): chr11-2884890-T-TGGGGCCGGGGCCGCGACTGGAGCC. GRCh37 (hg19) VCF-style: chr11-2906120-T-TGGGGCCGGGGCCGCGACTGGAGCC.
Other names: c.576_599dup, p.Val195_Pro202dup (NM_000076.2, NM_001362474.2); c.543_566dup, p.Val184_Pro191dup (NM_001122631.2); c.255+288_255+311dup (NM_001362475.2).
Identifiers: ClinVar variation 955818 (VCV000955818.9), dbSNP rs1564929761, ClinGen allele CA597432651.

ClinVar aggregate classification (germline): Uncertain significance (1 of 4 stars; one submission).

Conditions:
Beckwith-Wiedemann syndrome (BWS). Also called: EMG SYNDROME; Exomphalos macroglossia gigantism syndrome. Identifiers: Orphanet 116, MedGen C0004903, MONDO:0007534, OMIM 130650.

Submission:

Labcorp Genetics (formerly Invitae), Labcorp
Classification: Uncertain significance for Beckwith-Wiedemann syndrome. Last evaluated: 2024-04-29. Review status: criteria provided, single submitter. Criteria: Invitae Variant Classification Sherloc (09022015). Collection method: clinical testing. Allele origin: germline.
Comment: This variant, c.576_599dup, results in the insertion of 8 amino acid(s) of the CDKN1C protein (p.Val195_Pro202dup), but otherwise preserves the integrity of the reading frame. The frequency data for this variant in the population databases is considered unreliable, as metrics indicate poor data quality at this position in the gnomAD database. This variant has not been reported in the literature in individuals affected with CDKN1C-related conditions. ClinVar contains an entry for this variant (Variation ID: 955818). In summary, the available evidence is currently insufficient to determine the role of this variant in disease. Therefore, it has been classified as a Variant of Uncertain Significance.